The following is an entry in ClinVar:

ClinVar aggregate classification (germline): Likely benign (0 of 4 stars; one submission).

Conditions:
SCRIB-related disorder. Also called: SCRIB-related condition.

Allele frequency attached by ClinVar (database versions not stated): gnomAD 0.00002; gnomAD exomes 0.00003; TOPMed 0.00003.
gnomAD v4.1: 48 of 1,566,818 alleles (0.0031%); highest among the groups gnomAD compares: Middle Eastern, 0.3%; 1 homozygote.

Submission:

PreventionGenetics, part of Exact Sciences
Classification: Likely benign for SCRIB-related condition. Last evaluated: 2020-01-11. Review status: no assertion criteria provided. Collection method: clinical testing. Allele origin: germline.
Comment: This variant is classified as likely benign based on ACMG/AMP sequence variant interpretation guidelines (Richards et al. 2015 PMID: 25741868, with internal and published modifications).

NM_182706.5(SCRIB):c.4515-4G>A

Gene: SCRIB (scribble planar cell polarity protein; minus strand). Cytogenetic location: 8q24.3.
Variant type: single nucleotide variant.
Coding change: c.4515-4G>A on transcript NM_182706.5 (MANE Select); 4 bases into the intron before coding-DNA position 4515, G replaced by A.
Molecular consequence: intron variant.
Genome position (GRCh38, 1-based): chr8:143,792,137, C>T on the plus strand (G>A on the coding strand, the complement: SCRIB is on the minus strand). VCF-style: chr8-143792137-C-T. GRCh37 (hg19) VCF-style: chr8-144874307-C-T.
Other names: c.4515-4G>A (NM_015356.5).
Identifiers: ClinVar variation 3050904 (VCV003050904.2), dbSNP rs202163269, ClinGen allele CA187598598.